The following is an entry in ClinVar:

ClinVar aggregate classification (germline): Conflicting classifications of pathogenicity. Review status: criteria provided, conflicting classifications (1 of 4 stars). 4 submissions from 4 submitters: Uncertain significance (2); Likely benign (2). Last evaluated 2026-03-11.

Conditions:
Familial thoracic aortic aneurysm and aortic dissection (TAAD). Also called: Thoracic aortic aneurysms and dissections. Identifiers: Orphanet 91387, MedGen C4707243, MONDO:0019625.
NOTCH1-related disorder. Also called: NOTCH1-related condition; NOTCH1-related disorders.
Adams-Oliver syndrome 5 (AOS5). Identifiers: Orphanet 974, MedGen C4014970, MONDO:0014459, OMIM 616028.

Allele frequency attached by ClinVar (database versions not stated): gnomAD exomes 0.00003 and 0.00010; ExAC 0.00004; TOPMed 0.00022; gnomAD 0.00030 and 0.00031; 1000 Genomes Project 0.00040; 1000 Genomes Project 30x 0.00047.
gnomAD v4.1: 83 of 1,609,684 alleles (0.0052%); highest among the groups gnomAD compares: Admixed American, 0.11%; no homozygotes.

Submissions (4):

PreventionGenetics, part of Exact Sciences
Classification: Likely benign for NOTCH1-related condition. Last evaluated: 2026-03-11. Review status: criteria provided, single submitter. Criteria: ACMG Guidelines, 2015. Collection method: clinical testing. Allele origin: germline.
Comment: This variant is classified as likely benign based on ACMG/AMP sequence variant interpretation guidelines (Richards et al. 2015 PMID: 25741868, with internal and published modifications).

Ambry Genetics
Classification: Uncertain significance for Familial thoracic aortic aneurysm and aortic dissection. Last evaluated: 2025-09-04. Review status: criteria provided, single submitter. Criteria: Ambry Variant Classification Scheme 2023. Collection method: clinical testing. Allele origin: germline.
Comment: The p.R892C variant (also known as c.2674C>T), located in coding exon 17 of the NOTCH1 gene, results from a C to T substitution at nucleotide position 2674. The arginine at codon 892 is replaced by cysteine, an amino acid with highly dissimilar properties. This amino acid position is not well conserved in available vertebrate species. In addition, the in silico prediction for this alteration is inconclusive. Since supporting evidence is limited at this time, the clinical significance of this alteration remains unclear.

Labcorp Genetics (formerly Invitae), Labcorp
Classification: Likely benign for Adams-Oliver syndrome 5. Last evaluated: 2025-06-18. Review status: criteria provided, single submitter. Criteria: Invitae Variant Classification Sherloc (09022015). Collection method: clinical testing. Allele origin: germline.

GeneDx
Classification: Uncertain significance. Last evaluated: 2024-12-18. Review status: criteria provided, single submitter. Criteria: GeneDx Variant Classification Process June 2021. Collection method: clinical testing. Allele origin: germline. Affected: yes.
Comment: In silico analysis supports that this missense variant has a deleterious effect on protein structure/function; Has not been previously published as pathogenic or benign to our knowledge

NM_017617.5(NOTCH1):c.2674C>T (p.Arg892Cys)

Gene: NOTCH1 (notch receptor 1; minus strand). Cytogenetic location: 9q34.3.
Variant type: single nucleotide variant.
Coding change: c.2674C>T on transcript NM_017617.5 (MANE Select); coding-DNA position 2674, C replaced by T.
Protein change: p.Arg892Cys; replaces arginine 892 with cysteine.
Molecular consequence: missense variant.
Genome position (GRCh38, 1-based): chr9:136,510,719, G>A on the plus strand (C>T on the coding strand, the complement: NOTCH1 is on the minus strand). VCF-style: chr9-136510719-G-A. GRCh37 (hg19) VCF-style: chr9-139405171-G-A.
Other names: c.2674C>T (NM_017617.4); c.2674C>T, p.Arg892Cys (LRG_1122t1); short protein forms R892C.
Identifiers: ClinVar variation 520077 (VCV000520077.19), dbSNP rs578228721, ClinGen allele CA5341204.
Genomic context (GRCh38, chr9:136,510,719, plus strand): 5'-GGCAGTCGTCGATGTCGGTCTCGCAGTTGCGCCCACTGTAGCCGGCCTGGCAGTGGCAGC[G>A]GTAGCCGCCGTGGGTGTTCTGGCAGGATGCGCCGTGCCGGCACGGGCTCAGAACGCACTC-3'
Protein context (NP_060087.3, residues 882-902): ASCQNTHGGY[Arg892Cys]CHCQAGYSGR